The following is an entry in ClinVar:

NM_000530.8(MPZ):c.656T>A (p.Leu219Gln)

Gene: MPZ (myelin protein zero; minus strand). Cytogenetic location: 1q23.3.
Variant type: single nucleotide variant.
Coding change: c.656T>A on transcript NM_000530.8 (MANE Select); coding-DNA position 656, T replaced by A.
Protein change: p.Leu219Gln; replaces leucine 219 with glutamine.
Molecular consequence: missense variant.
Genome position (GRCh38, 1-based): chr1:161,305,967, A>T on the plus strand (T>A on the coding strand, the complement: MPZ is on the minus strand). VCF-style: chr1-161305967-A-T. GRCh37 (hg19) VCF-style: chr1-161275757-A-T.
Other names: c.656T>A, p.Leu219Gln (NM_001315491.2); short protein forms L219Q.
Identifiers: ClinVar variation 3644730 (VCV003644730.2).

ClinVar aggregate classification (germline): Uncertain significance (1 of 4 stars; one submission).

Conditions:
Charcot-Marie-Tooth disease, type I (CMT1). Also called: Charcot-Marie-Tooth, Type 1; Charcot-Marie-Tooth disease type 1. Identifiers: Orphanet 65753, MedGen C0751036, MONDO:0019011.

Submission:

Labcorp Genetics (formerly Invitae), Labcorp
Classification: Uncertain significance for Charcot-Marie-Tooth disease, type I. Last evaluated: 2024-03-06. Review status: criteria provided, single submitter. Criteria: Invitae Variant Classification Sherloc (09022015). Collection method: clinical testing. Allele origin: germline.
Comment: This sequence change replaces leucine, which is neutral and non-polar, with glutamine, which is neutral and polar, at codon 219 of the MPZ protein (p.Leu219Gln). This variant is not present in population databases (gnomAD no frequency). This variant has not been reported in the literature in individuals affected with MPZ-related conditions. An algorithm developed to predict the effect of missense changes on protein structure and function (PolyPhen-2) suggests that this variant is likely to be disruptive. In summary, the available evidence is currently insufficient to determine the role of this variant in disease. Therefore, it has been classified as a Variant of Uncertain Significance.